The following is an entry in ClinVar:

NM_016203.4(PRKAG2):c.1384G>A (p.Val462Ile)

Gene: PRKAG2 (protein kinase AMP-activated non-catalytic subunit gamma 2; minus strand). Cytogenetic location: 7q36.1.
Variant type: single nucleotide variant.
Coding change: c.1384G>A on transcript NM_016203.4 (MANE Select); coding-DNA position 1384, G replaced by A.
Protein change: p.Val462Ile; replaces valine 462 with isoleucine.
Molecular consequence: missense variant.
Genome position (GRCh38, 1-based): chr7:151,565,735, C>T on the plus strand (G>A on the coding strand, the complement: PRKAG2 is on the minus strand). VCF-style: chr7-151565735-C-T. GRCh37 (hg19) VCF-style: chr7-151262821-C-T.
Other names: c.1252G>A, p.Val418Ile (NM_001040633.2, NM_001407024.1); c.1009G>A, p.Val337Ile (NM_001304527.2, NM_001407029.1); c.661G>A, p.Val221Ile (NM_001304531.2, NM_001407034.1, NM_001407035.1 and 1 more transcripts); c.1012G>A, p.Val338Ile (NM_001363698.2, NM_001407028.1); c.1384G>A, p.Val462Ile (NM_001407021.1); c.1381G>A, p.Val461Ile (NM_001407022.1, NM_001407023.1); c.1249G>A, p.Val417Ile (NM_001407026.1, NM_001407027.1); c.1096G>A, p.Val366Ile (NM_001407030.1); and 6 more; short protein forms V366I, V417I, V462I, V237I, V354I, V365I, V418I, V220I.
Identifiers: ClinVar variation 3636780 (VCV003636780.2).
Genomic context (GRCh38, chr7:151,565,735, plus strand): 5'-TGAGATAAACAATTATTTCTGCCTGTCAGCGCCAAACACACAAACCTGACTCATCCACAA[C>T]AGGCAGAGCTGATATTCGTCTTTCCACAAATATGTTCAAGGCTTTGATGATGGGAGTGTC-3'
Protein context (NP_057287.2, residues 452-472): FVERRISALP[Val462Ile]VDESGKVVDI

ClinVar aggregate classification (germline): Uncertain significance (1 of 4 stars; one submission).

Conditions:
Lethal congenital glycogen storage disease of heart. Also called: PHOSPHORYLASE KINASE DEFICIENCY OF HEART; GLYCOGEN STORAGE DISEASE OF HEART. Identifiers: Orphanet 439854, MedGen C1849813, MONDO:0009867, OMIM 261740.

Submission:

Labcorp Genetics (formerly Invitae), Labcorp
Classification: Uncertain significance for Lethal congenital glycogen storage disease of heart. Last evaluated: 2024-10-30. Review status: criteria provided, single submitter. Criteria: Invitae Variant Classification Sherloc (09022015). Collection method: clinical testing. Allele origin: germline.
Comment: This sequence change replaces valine, which is neutral and non-polar, with isoleucine, which is neutral and non-polar, at codon 462 of the PRKAG2 protein (p.Val462Ile). This variant is not present in population databases (gnomAD no frequency). This variant has not been reported in the literature in individuals affected with PRKAG2-related conditions. Invitae Evidence Modeling of protein sequence and biophysical properties (such as structural, functional, and spatial information, amino acid conservation, physicochemical variation, residue mobility, and thermodynamic stability) indicates that this missense variant is not expected to disrupt PRKAG2 protein function with a negative predictive value of 95%. In summary, the available evidence is currently insufficient to determine the role of this variant in disease. Therefore, it has been classified as a Variant of Uncertain Significance.